The following is an entry in ClinVar:

ClinVar aggregate classification (germline): Uncertain significance (1 of 4 stars; one submission).

Allele frequency attached by ClinVar (database versions not stated): ExAC 0.00001; gnomAD exomes 0.00001.
gnomAD v4.1: 3 of 1,614,190 alleles (0.00019%); no homozygotes.

Submission:

Labcorp Genetics (formerly Invitae), Labcorp
Classification: Uncertain significance. Last evaluated: 2025-05-23. Review status: criteria provided, single submitter. Criteria: Invitae Variant Classification Sherloc (09022015). Collection method: clinical testing. Allele origin: germline.
Comment: This sequence change replaces glutamic acid, which is acidic and polar, with lysine, which is basic and polar, at codon 256 of the NLRP1 protein (p.Glu256Lys). This variant is present in population databases (rs755811313, gnomAD 0.03%). This variant has not been reported in the literature in individuals affected with NLRP1-related conditions. ClinVar contains an entry for this variant (Variation ID: 1482551). An algorithm developed to predict the effect of missense changes on protein structure and function (PolyPhen-2) suggests that this variant is likely to be tolerated. In summary, the available evidence is currently insufficient to determine the role of this variant in disease. Therefore, it has been classified as a Variant of Uncertain Significance.

NM_033004.4(NLRP1):c.766G>A (p.Glu256Lys)

Gene: NLRP1 (NLR family pyrin domain containing 1; minus strand). Cytogenetic location: 17p13.2.
Variant type: single nucleotide variant.
Coding change: c.766G>A on transcript NM_033004.4 (MANE Select); coding-DNA position 766, G replaced by A.
Protein change: p.Glu256Lys; replaces glutamic acid 256 with lysine.
Molecular consequence: missense variant.
Genome position (GRCh38, 1-based): chr17:5,559,930, C>T on the plus strand (G>A on the coding strand, the complement: NLRP1 is on the minus strand). VCF-style: chr17-5559930-C-T. GRCh37 (hg19) VCF-style: chr17-5463250-C-T.
Other names: c.766G>A, p.Glu256Lys (NM_001033053.3, NM_014922.5, NM_033006.4 and 1 more transcripts); short protein forms E256K.
Identifiers: ClinVar variation 1482551 (VCV001482551.8), dbSNP rs755811313, ClinGen allele CA8327487.